The following is an entry in ClinVar:

NM_015065.3(EXPH5):c.3268C>G (p.Leu1090Val)

Gene: EXPH5 (exophilin 5; minus strand). Cytogenetic location: 11q22.3.
Variant type: single nucleotide variant.
Coding change: c.3268C>G on transcript NM_015065.3 (MANE Select); coding-DNA position 3268, C replaced by G.
Protein change: p.Leu1090Val; replaces leucine 1090 with valine.
Molecular consequence: missense variant.
Genome position (GRCh38, 1-based): chr11:108,512,239, G>C on the plus strand (C>G on the coding strand, the complement: EXPH5 is on the minus strand). VCF-style: chr11-108512239-G-C. GRCh37 (hg19) VCF-style: chr11-108382966-G-C.
Other names: c.3040C>G, p.Leu1014Val (NM_001144763.2); c.2800C>G, p.Leu934Val (NM_001144764.2); c.2704C>G, p.Leu902Val (NM_001144765.2); c.3247C>G, p.Leu1083Val (NM_001308019.2); short protein forms L934V, L1083V, L902V, L1014V, L1090V.
Identifiers: ClinVar variation 2196782 (VCV002196782.25), dbSNP rs138271058, ClinGen allele CA6267728.

ClinVar aggregate classification (germline): Conflicting classifications of pathogenicity. Review status: criteria provided, conflicting classifications (1 of 4 stars). 2 submissions from 2 submitters: Uncertain significance (1); Benign (1). Last evaluated 2024-03-01.

Allele frequency attached by ClinVar (database versions not stated): gnomAD 0.00015; 1000 Genomes Project 30x 0.00016; gnomAD exomes 0.00019; 1000 Genomes Project 0.00020; TOPMed 0.00021; ESP Exome Variant Server 0.00023; ExAC 0.00026.
gnomAD v4.1: 325 of 1,609,860 alleles (0.02%); highest among the groups gnomAD compares: Admixed American, 0.019%; 1 homozygote.

Submissions (2):

CeGaT Center for Human Genetics Tuebingen
Classification: Uncertain significance. Last evaluated: 2024-03-01. Review status: criteria provided, single submitter. Criteria: CeGaT Center For Human Genetics Tuebingen Variant Classification Criteria Version 2. Collection method: clinical testing. Allele origin: germline. Affected: yes. Observed: 1 variant allele.
Comment: EXPH5: PM2, BP4

Labcorp Genetics (formerly Invitae), Labcorp
Classification: Benign. Last evaluated: 2022-05-03. Review status: criteria provided, single submitter. Criteria: Invitae Variant Classification Sherloc (09022015). Collection method: clinical testing. Allele origin: germline.